The following is an entry in ClinVar:

ClinVar aggregate classification (germline): Uncertain significance (1 of 4 stars; one submission).

Allele frequency attached by ClinVar (database versions not stated): TOPMed below 0.00001.

Submission:

Labcorp Genetics (formerly Invitae), Labcorp
Classification: Uncertain significance. Last evaluated: 2023-07-17. Review status: criteria provided, single submitter. Criteria: Invitae Variant Classification Sherloc (09022015). Collection method: clinical testing. Allele origin: germline.
Comment: In summary, the available evidence is currently insufficient to determine the role of this variant in disease. Therefore, it has been classified as a Variant of Uncertain Significance. Advanced modeling of protein sequence and biophysical properties (such as structural, functional, and spatial information, amino acid conservation, physicochemical variation, residue mobility, and thermodynamic stability) performed at Invitae indicates that this missense variant is not expected to disrupt CAPN5 protein function. ClinVar contains an entry for this variant (Variation ID: 1389719). This variant has not been reported in the literature in individuals affected with CAPN5-related conditions. This variant is not present in population databases (gnomAD no frequency). This sequence change replaces tryptophan, which is neutral and slightly polar, with leucine, which is neutral and non-polar, at codon 97 of the CAPN5 protein (p.Trp97Leu).

NM_004055.5(CAPN5):c.290G>T (p.Trp97Leu)

Gene: CAPN5 (calpain 5; plus strand). Cytogenetic location: 11q13.5.
Variant type: single nucleotide variant.
Coding change: c.290G>T on transcript NM_004055.5 (MANE Select); coding-DNA position 290, G replaced by T.
Protein change: p.Trp97Leu; replaces tryptophan 97 with leucine.
Molecular consequence: missense variant.
Genome position (GRCh38, 1-based): chr11:77,093,806, G>T. VCF-style: chr11-77093806-G-T. GRCh37 (hg19) VCF-style: chr11-76804852-G-T.
Other names: short protein forms W97L.
Identifiers: ClinVar variation 1389719 (VCV001389719.6), dbSNP rs1950179638, ClinGen allele CA381931593.